The following is an entry in ClinVar:

ClinVar aggregate classification (germline): Uncertain significance (1 of 4 stars; one submission).

Submission:

Women's Health and Genetics/Laboratory Corporation of America, LabCorp
Classification: Uncertain significance. Last evaluated: 2026-05-27. Review status: criteria provided, single submitter. Criteria: LabCorp Variant Classification Summary - May 2015. Collection method: clinical testing. Allele origin: germline.
Comment: Variant summary: AFF3 c.2041C>G (p.Leu681Val) results in a conservative amino acid change in the encoded protein sequence. Algorithms developed to predict the effect of missense changes on protein structure and function all suggest that this variant is likely to be tolerated. The variant was absent in 247670 control chromosomes. The available data on variant occurrences in the general population are insufficient to allow any conclusion about variant significance. To our knowledge, no occurrence of c.2041C>G in individuals affected with AFF3-related conditions and no experimental evidence demonstrating its impact on protein function have been reported. No submitters have cited clinical-significance assessments for this variant to ClinVar. Based on the evidence outlined above, the variant was classified as uncertain significance.

NM_001386135.1(AFF3):c.2041C>G (p.Leu681Val)

Gene: AFF3 (ALF transcription elongation factor 3; minus strand). Cytogenetic location: 2q11.2.
Variant type: single nucleotide variant.
Coding change: c.2041C>G on transcript NM_001386135.1 (MANE Select); coding-DNA position 2041, C replaced by G.
Protein change: p.Leu681Val; replaces leucine 681 with valine.
Molecular consequence: missense variant.
Genome position (GRCh38, 1-based): chr2:99,593,620, G>C on the plus strand (C>G on the coding strand, the complement: AFF3 is on the minus strand). VCF-style: chr2-99593620-G-C. GRCh37 (hg19) VCF-style: chr2-100210082-G-C.
Other names: c.2041C>G, p.Leu681Val (NM_002285.3); c.2116C>G, p.Leu706Val (NM_001025108.2); short protein forms L681V, L706V.
Identifiers: ClinVar variation 4853653 (VCV004853653.1).
Genomic context (GRCh38, chr2:99,593,620, plus strand): 5'-AGGCAGAGGCAGCCACGGTCTGTGCTTTGGACAGAGGGTACTCCTCCTGCTCGGACTCCA[G>C]GTCGGAGTCCGAGGAGGAGGATGAAGATGACGACTCTGTCTCAATGAACTCCTTGGATTT-3'
Protein context (NP_001373064.1, residues 671-691): SSSSSSSDSD[Leu681Val]ESEQEEYPLS